The following is an entry in ClinVar:

ClinVar aggregate classification (germline): Benign/Likely benign. Review status: criteria provided, multiple submitters, no conflicts (2 of 4 stars). 2 submissions from 2 submitters: Benign (1); Likely benign (1). Last evaluated 2025-10-15.

Conditions:
Multiple endocrine neoplasia, type 2 (MEN2). Identifiers: Orphanet 653, MedGen C4048306, MONDO:0019003. Disease mechanism: gain of function.
Multiple endocrine neoplasia type 2A. Also called: MULTIPLE ENDOCRINE NEOPLASIA, TYPE IIA; PTC SYNDROME; SIPPLE SYNDROME; MEN 2A; MEN-2A syndrome; Pheochromocytoma and amyloid producing medullary thyroid carcinoma. Identifiers: Orphanet 247698, Orphanet 653, MedGen C0025268, MeSH D018813, MONDO:0008234, OMIM 171400.

Allele frequency attached by ClinVar (database versions not stated): TOPMed below 0.00001; gnomAD 0.00004; ExAC 0.00007; 1000 Genomes Project 30x 0.00031.
gnomAD v4.1: 36 of 1,605,394 alleles (0.0022%); highest among the groups gnomAD compares: South Asian, 0.04%; 1 homozygote.

Submissions (2):

Labcorp Genetics (formerly Invitae), Labcorp
Classification: Likely benign for Multiple endocrine neoplasia, type 2. Last evaluated: 2025-10-15. Review status: criteria provided, single submitter. Criteria: Invitae Variant Classification Sherloc (09022015). Collection method: clinical testing. Allele origin: germline.

Myriad Genetics, Inc.
Classification: Benign for Multiple endocrine neoplasia type 2A. Last evaluated: 2024-09-04. Review status: criteria provided, single submitter. Criteria: Myriad Autosomal Dominant, Autosomal Recessive and X-Linked Classification Criteria (2023). Collection method: clinical testing. Allele origin: unknown.
Comment: This variant is considered benign. This variant is intronic and is not expected to impact mRNA splicing. This variant has been observed at a population frequency that is significantly greater than expected given the associated disease prevalence and penetrance.

NM_020975.6(RET):c.2285-16C>T

Gene: RET (ret proto-oncogene; plus strand). Cytogenetic location: 10q11.21.
Variant type: single nucleotide variant.
Coding change: c.2285-16C>T on transcript NM_020975.6 (MANE Select); 16 bases into the intron before coding-DNA position 2285, C replaced by T.
Molecular consequence: intron variant.
Genome position (GRCh38, 1-based): chr10:43,118,357, C>T. VCF-style: chr10-43118357-C-T. GRCh37 (hg19) VCF-style: chr10-43613805-C-T.
Other names: c.2285-16C>T (NM_020630.7, NM_001406743.1, NM_001406744.1 and 2 more transcripts); c.2150-16C>T (NM_001406765.1, NM_001406763.1); c.1889-16C>T (NM_001406772.1, NM_001406769.1); c.1847-16C>T (NM_001406773.1, NM_001406771.1); c.1388-16C>T (NM_001406782.1, NM_001406780.1, NM_001406779.1 and 1 more transcripts); c.1253-16C>T (NM_001406787.1); c.1268-16C>T (NM_001406785.1); c.2156-16C>T (NM_001406764.1, NM_001406762.1, NM_001406761.1); and 10 more.
Identifiers: ClinVar variation 1569229 (VCV001569229.16), dbSNP rs781027098, ClinGen allele CA038259.